The following is an entry in ClinVar:

ClinVar aggregate classification (germline): Uncertain significance. Review status: criteria provided, multiple submitters, no conflicts (2 of 4 stars). 2 submissions from 2 submitters: Uncertain significance (2). Last evaluated 2025-05-19.

Conditions:
Familial melanoma. Also called: Hereditary melanoma; Hereditary cutaneous melanoma. Identifiers: Orphanet 618, MedGen C1512419, MONDO:0018961.
Hereditary cancer-predisposing syndrome. Also called: Hereditary Cancer Syndrome; Tumor predisposition; Neoplastic Syndromes, Hereditary; Hereditary neoplastic syndrome. Identifiers: Orphanet 140162, MedGen C0027672, MeSH D009386, MONDO:0015356.

Submissions (2):

Labcorp Genetics (formerly Invitae), Labcorp
Classification: Uncertain significance for Familial melanoma. Last evaluated: 2025-05-19. Review status: criteria provided, single submitter. Criteria: Invitae Variant Classification Sherloc (09022015). Collection method: clinical testing. Allele origin: germline.
Comment: This sequence change replaces serine, which is neutral and polar, with glycine, which is neutral and non-polar, at codon 150 of the CDK4 protein (p.Ser150Gly). This variant is not present in population databases (gnomAD no frequency). This variant has not been reported in the literature in individuals affected with CDK4-related conditions. ClinVar contains an entry for this variant (Variation ID: 2421149). Invitae Evidence Modeling of protein sequence and biophysical properties (such as structural, functional, and spatial information, amino acid conservation, physicochemical variation, residue mobility, and thermodynamic stability) indicates that this missense variant is not expected to disrupt CDK4 protein function with a negative predictive value of 95%. In summary, the available evidence is currently insufficient to determine the role of this variant in disease. Therefore, it has been classified as a Variant of Uncertain Significance.

Ambry Genetics
Classification: Uncertain significance for Hereditary cancer-predisposing syndrome. Last evaluated: 2024-10-13. Review status: criteria provided, single submitter. Criteria: Ambry Variant Classification Scheme 2023. Collection method: clinical testing. Allele origin: germline.
Comment: The p.S150G variant (also known as c.448A>G), located in coding exon 3 of the CDK4 gene, results from an A to G substitution at nucleotide position 448. The serine at codon 150 is replaced by glycine, an amino acid with similar properties. This amino acid position is conserved. In addition, this alteration is predicted to be tolerated by in silico analysis. Based on the available evidence, the clinical significance of this variant remains unclear.

NM_000075.4(CDK4):c.448A>G (p.Ser150Gly)

Gene: CDK4 (cyclin dependent kinase 4; minus strand). Cytogenetic location: 12q14.1.
Variant type: single nucleotide variant.
Coding change: c.448A>G on transcript NM_000075.4 (MANE Select); coding-DNA position 448, A replaced by G.
Protein change: p.Ser150Gly; replaces serine 150 with glycine.
Molecular consequence: missense variant.
Genome position (GRCh38, 1-based): chr12:57,750,997, T>C on the plus strand (A>G on the coding strand, the complement: CDK4 is on the minus strand). VCF-style: chr12-57750997-T-C. GRCh37 (hg19) VCF-style: chr12-58144780-T-C.
Other names: c.448A>G (NM_000075.3); short protein forms S150G.
Identifiers: ClinVar variation 2421149 (VCV002421149.7), dbSNP rs532565712, ClinGen allele CA385546448.